The following is an entry in ClinVar:

ClinVar aggregate classification (germline): Uncertain significance (1 of 4 stars; one submission).

Allele frequency attached by ClinVar (database versions not stated): gnomAD exomes 0.00001 and 0.00003; ExAC 0.00004; gnomAD 0.00004; TOPMed 0.00005; ESP Exome Variant Server 0.00008.
gnomAD v4.1: 44 of 1,366,744 alleles (0.0032%); highest among the groups gnomAD compares: Middle Eastern, 0.021%; no homozygotes.

Submission:

Labcorp Genetics (formerly Invitae), Labcorp
Classification: Uncertain significance. Last evaluated: 2022-10-24. Review status: criteria provided, single submitter. Criteria: Invitae Variant Classification Sherloc (09022015). Collection method: clinical testing. Allele origin: germline.
Comment: This sequence change replaces leucine, which is neutral and non-polar, with glutamine, which is neutral and polar, at codon 1165 of the ERCC6L2 protein (p.Leu1165Gln). This variant is present in population databases (rs372394353, gnomAD 0.02%). This variant has not been reported in the literature in individuals affected with ERCC6L2-related conditions. ClinVar contains an entry for this variant (Variation ID: 1475833). Algorithms developed to predict the effect of missense changes on protein structure and function are either unavailable or do not agree on the potential impact of this missense change (SIFT: "Deleterious"; PolyPhen-2: "Not Available"; Align-GVGD: "Class C0"). In summary, the available evidence is currently insufficient to determine the role of this variant in disease. Therefore, it has been classified as a Variant of Uncertain Significance.

NM_020207.7(ERCC6L2):c.3461T>A (p.Leu1154Gln)

Gene: ERCC6L2 (ERCC excision repair 6 like 2; plus strand). Cytogenetic location: 9q22.32.
Variant type: single nucleotide variant.
Coding change: c.3461T>A on transcript NM_020207.7 (MANE Select); coding-DNA position 3461, T replaced by A.
Protein change: p.Leu1154Gln; replaces leucine 1154 with glutamine.
Molecular consequence: missense variant. On other transcripts: non-coding transcript variant (1).
Genome position (GRCh38, 1-based): chr9:95,978,184, T>A. VCF-style: chr9-95978184-T-A. GRCh37 (hg19) VCF-style: chr9-98740466-T-A.
Other names: c.3461T>A, p.Leu1154Gln (NM_001375291.1, NM_001375292.1, NM_001375293.1 and 1 more transcripts); short protein forms L1154Q.
Identifiers: ClinVar variation 1475833 (VCV001475833.3), dbSNP rs372394353, ClinGen allele CA5139926.
Genomic context (GRCh38, chr9:95,978,184, plus strand): 5'-AAAATCACATGAGCCGATGGGCAGCACATGACGTATTTGAGTTGAAGCAGTTTTCTCAGC[T>A]GCCTGCTAACATAGCTGTTTGCAGTTCTAAGGTAAGAAAAATATAGGGTAGTATCATCTT-3'
Protein context (NP_064592.3, residues 1144-1164): DVFELKQFSQ[Leu1154Gln]PANIAVCSSK